The following is an entry in ClinVar:

NM_001372106.1(DNAH10):c.9030A>G (p.Lys3010=)

Gene: DNAH10 (dynein axonemal heavy chain 10; plus strand). Cytogenetic location: 12q24.31.
Variant type: single nucleotide variant.
Coding change: c.9030A>G on transcript NM_001372106.1 (MANE Select); coding-DNA position 9030, A replaced by G.
Protein change: p.Lys3010=; no amino-acid change (lysine 3010 retained).
Molecular consequence: synonymous variant.
Genome position (GRCh38, 1-based): chr12:123,893,267, A>G. VCF-style: chr12-123893267-A-G. GRCh37 (hg19) VCF-style: chr12-124377814-A-G.
Other names: c.8676A>G, p.Lys2892= (NM_207437.3).
Identifiers: ClinVar variation 402618 (VCV000402618.5), dbSNP rs6488908, ClinGen allele CA6864943.

ClinVar aggregate classification (germline): Benign. Review status: criteria provided, multiple submitters, no conflicts (2 of 4 stars). 2 submissions from 2 submitters: Benign (2). Last evaluated 2016-03-29.

Allele frequency attached by ClinVar (database versions not stated): gnomAD exomes 0.05478 and 0.05886; ExAC 0.05904; 1000 Genomes Project 0.06829; 1000 Genomes Project 30x 0.07121; gnomAD 0.07639 and 0.07954; ESP Exome Variant Server 0.07767; TOPMed 0.07810.
gnomAD v4.1: 97,676 of 1,613,944 alleles (6.1%); highest among the groups gnomAD compares: African/African-American, 13%; 3,372 homozygotes.

Submissions (2):

Laboratory for Molecular Medicine, Mass General Brigham Personalized Medicine
Classification: Benign. Last evaluated: 2016-03-29. Review status: criteria provided, single submitter. Criteria: LMM Criteria. Collection method: clinical testing. Allele origin: germline.
Comment: Variant identified in a genome or exome case(s) and assessed due to predicted null impact of the variant or pathogenic assertions in the literature or databases. Disclaimer: This variant has not undergone full assessment. The following are preliminary notes: Frequency

Breakthrough Genomics
Classification: Benign. Review status: criteria provided, single submitter. Criteria: ACMG Guidelines, 2015. Collection method: not provided. Allele origin: germline. Inheritance: Autosomal recessive inheritance. Affected: yes.